The following is an entry in ClinVar:

NM_004168.4(SDHA):c.766A>G (p.Thr256Ala)

Gene: SDHA (succinate dehydrogenase complex flavoprotein subunit A; plus strand). Cytogenetic location: 5p15.33.
Variant type: single nucleotide variant.
Coding change: c.766A>G on transcript NM_004168.4 (MANE Select); coding-DNA position 766, A replaced by G.
Protein change: p.Thr256Ala; replaces threonine 256 with alanine.
Molecular consequence: missense variant.
Genome position (GRCh38, 1-based): chr5:228,329, A>G. VCF-style: chr5-228329-A-G. GRCh37 (hg19) VCF-style: chr5-228444-A-G.
Other names: c.622A>G, p.Thr208Ala (NM_001294332.2); c.766A>G, p.Thr256Ala (NM_001330758.2); short protein forms T256A, T208A.
Identifiers: ClinVar variation 572960 (VCV000572960.14), dbSNP rs1409070000, ClinGen allele CA359011249.

ClinVar aggregate classification (germline): Uncertain significance. Review status: criteria provided, multiple submitters, no conflicts (2 of 4 stars). 2 submissions from 2 submitters: Uncertain significance (2). Last evaluated 2026-06-11.

Conditions:
Mitochondrial complex II deficiency, nuclear type 1. Also called: SUCCINATE CoQ REDUCTASE DEFICIENCY. Identifiers: Orphanet 3208, MedGen C5700310, MONDO:0100294, OMIM 252011.
Pheochromocytoma/paraganglioma syndrome 5. Also called: Paragangliomas 5; SDHA-Related Hereditary Paraganglioma-Pheochromocytoma Syndrome. Identifiers: Orphanet 29072, MedGen C3279992, MONDO:0013602, OMIM 614165.
Hereditary cancer-predisposing syndrome. Also called: Neoplastic Syndromes, Hereditary; Tumor predisposition; Hereditary neoplastic syndrome; Hereditary Cancer Syndrome. Identifiers: Orphanet 140162, MedGen C0027672, MeSH D009386, MONDO:0015356.

Allele frequency attached by ClinVar (database versions not stated): TOPMed below 0.00001; gnomAD 0.00001.
gnomAD v4.1: 2 of 1,613,772 alleles (0.00012%); highest among the groups gnomAD compares: Non-Finnish European, 0.000085%; no homozygotes.

Submissions (2):

Ambry Genetics
Classification: Uncertain significance for Hereditary cancer-predisposing syndrome. Last evaluated: 2026-06-11. Review status: criteria provided, single submitter. Criteria: Ambry Variant Classification Scheme 2023. Collection method: clinical testing. Allele origin: germline.
Comment: Based on the available evidence, the clinical significance of this variant remains unclear.The p.T256A variant (also known as c.766A>G), located in coding exon 6 of the SDHA gene, results from an A to G substitution at nucleotide position 766. The threonine at codon 256 is replaced by alanine, an amino acid with similar properties. This amino acid position is highly conserved in available vertebrate species. In addition, this alteration is predicted to be deleterious by in silico analysis. Based on the available evidence, the clinical significance of this variant remains unclear.

Labcorp Genetics (formerly Invitae), Labcorp
Classification: Uncertain significance for Pheochromocytoma/paraganglioma syndrome 5; Mitochondrial complex II deficiency, nuclear type 1. Last evaluated: 2024-11-25. Review status: criteria provided, single submitter. Criteria: Invitae Variant Classification Sherloc (09022015). Collection method: clinical testing. Allele origin: germline.
Comment: This sequence change replaces threonine, which is neutral and polar, with alanine, which is neutral and non-polar, at codon 256 of the SDHA protein (p.Thr256Ala). This variant is not present in population databases (gnomAD no frequency). This variant has not been reported in the literature in individuals affected with SDHA-related conditions. ClinVar contains an entry for this variant (Variation ID: 572960). Invitae Evidence Modeling of protein sequence and biophysical properties (such as structural, functional, and spatial information, amino acid conservation, physicochemical variation, residue mobility, and thermodynamic stability) indicates that this missense variant is not expected to disrupt SDHA protein function with a negative predictive value of 95%. In summary, the available evidence is currently insufficient to determine the role of this variant in disease. Therefore, it has been classified as a Variant of Uncertain Significance.